The following is an entry in ClinVar:

ClinVar aggregate classification (germline): Uncertain significance (1 of 4 stars; one submission).

Conditions:
Autosomal dominant hypocalcemia 1 (HYPOC1). Also called: HYPOCALCEMIA, FAMILIAL. Identifiers: MedGen C3715128, MONDO:0011013, OMIM 601198.
Familial hypocalciuric hypercalcemia (FHH). Also called: Familial benign hypercalcemia. Identifiers: Orphanet 405, MedGen C1809471, MONDO:0018458.

Submission:

Labcorp Genetics (formerly Invitae), Labcorp
Classification: Uncertain significance for Familial hypocalciuric hypercalcemia; Autosomal dominant hypocalcemia 1. Last evaluated: 2022-11-15. Review status: criteria provided, single submitter. Criteria: Invitae Variant Classification Sherloc (09022015). Collection method: clinical testing. Allele origin: germline.
Comment: This sequence change replaces glutamic acid, which is acidic and polar, with lysine, which is basic and polar, at codon 1045 of the CASR protein (p.Glu1045Lys). This variant is not present in population databases (gnomAD no frequency). This variant has not been reported in the literature in individuals affected with CASR-related conditions. ClinVar contains an entry for this variant (Variation ID: 934434). Algorithms developed to predict the effect of missense changes on protein structure and function output the following: SIFT: "Tolerated"; PolyPhen-2: "Benign"; Align-GVGD: "Class C0". The lysine amino acid residue is found in multiple mammalian species, which suggests that this missense change does not adversely affect protein function. In summary, the available evidence is currently insufficient to determine the role of this variant in disease. Therefore, it has been classified as a Variant of Uncertain Significance.

NM_000388.4(CASR):c.3133G>A (p.Glu1045Lys)

Gene: CASR (calcium sensing receptor; plus strand). Cytogenetic location: 3q21.1.
Variant type: single nucleotide variant.
Coding change: c.3133G>A on transcript NM_000388.4 (MANE Select); coding-DNA position 3133, G replaced by A.
Protein change: p.Glu1045Lys; replaces glutamic acid 1045 with lysine.
Molecular consequence: missense variant.
Genome position (GRCh38, 1-based): chr3:122,285,087, G>A. VCF-style: chr3-122285087-G-A. GRCh37 (hg19) VCF-style: chr3-122003934-G-A.
Other names: c.3163G>A, p.Glu1055Lys (NM_001178065.2); short protein forms E1045K, E1055K.
Identifiers: ClinVar variation 934434 (VCV000934434.10), dbSNP rs2074954067, ClinGen allele CA354161529.